The following is an entry in ClinVar:

ClinVar aggregate classification (germline): Uncertain significance. Review status: criteria provided, multiple submitters, no conflicts (2 of 4 stars). 2 submissions from 2 submitters: Uncertain significance (2). Last evaluated 2025-09-24.

Conditions:
Myoclonic dystonia 11 (DYT11). Also called: SGCE Myoclonus-Dystonia; Myoclonus-Dystonia; DYT-SGCE; Myoclonic dystonia; Dystonia 11; Dystonia, alcohol responsive. Identifiers: Orphanet 36899, MedGen C1834570, MONDO:0008044, OMIM 159900.

Allele frequency attached by ClinVar (database versions not stated): ExAC 0.00001; gnomAD exomes 0.00001 and 0.00002; TOPMed 0.00002; gnomAD 0.00003; ESP Exome Variant Server 0.00008.
gnomAD v4.1: 30 of 1,610,754 alleles (0.0019%); highest among the groups gnomAD compares: East Asian, 0.0045%; no homozygotes.

Submissions (2):

Labcorp Genetics (formerly Invitae), Labcorp
Classification: Uncertain significance for Myoclonic dystonia 11. Last evaluated: 2025-09-24. Review status: criteria provided, single submitter. Criteria: Invitae Variant Classification Sherloc (09022015). Collection method: clinical testing. Allele origin: germline.
Comment: This sequence change replaces arginine, which is basic and polar, with glutamine, which is neutral and polar, at codon 48 of the SGCE protein (p.Arg48Gln). This variant is present in population databases (rs148483382, gnomAD 0.002%). This variant has not been reported in the literature in individuals affected with SGCE-related conditions. ClinVar contains an entry for this variant (Variation ID: 665212). Invitae Evidence Modeling of protein sequence and biophysical properties (such as structural, functional, and spatial information, amino acid conservation, physicochemical variation, residue mobility, and thermodynamic stability) indicates that this missense variant is not expected to disrupt SGCE protein function with a negative predictive value of 80%. In summary, the available evidence is currently insufficient to determine the role of this variant in disease. Therefore, it has been classified as a Variant of Uncertain Significance.

Revvity Omics, Revvity
Classification: Uncertain significance for Myoclonic dystonia 11. Last evaluated: 2019-09-03. Review status: criteria provided, single submitter. Criteria: ACMG Guidelines, 2015. Collection method: clinical testing. Allele origin: germline.

NM_003919.3(SGCE):c.143G>A (p.Arg48Gln)

Genes: CASD1 (CAS1 domain sialic acid O acetyltransferase 1; plus strand), SGCE (sarcoglycan epsilon; minus strand). Cytogenetic location: 7q21.3.
Variant type: single nucleotide variant.
Coding change: c.143G>A on transcript NM_003919.3 (MANE Select); coding-DNA position 143, G replaced by A.
Protein change: p.Arg48Gln; replaces arginine 48 with glutamine.
Molecular consequence: missense variant. On other transcripts: 5 prime UTR variant (2), intron variant (2).
Genome position (GRCh38, 1-based): chr7:94,629,808, C>T on the plus strand (G>A on the coding strand, the complement: SGCE is on the minus strand). VCF-style: chr7-94629808-C-T. GRCh37 (hg19) VCF-style: chr7-94259120-C-T.
Other names: c.143G>A, p.Arg48Gln (NM_001099400.2, NM_001099401.2, NM_001346717.2); c.251G>A, p.Arg84Gln (NM_001346713.2, NM_001346715.2); c.56G>A, p.Arg19Gln (NM_001346719.2, NM_001362807.2); c.-131G>A (NM_001346720.2, NM_001362808.2); c.110-1449G>A (NM_001362809.2, NM_001301139.2); short protein forms R84Q, R19Q, R48Q.
Identifiers: ClinVar variation 665212 (VCV000665212.11), dbSNP rs148483382, ClinGen allele CA4348880.
Genomic context (GRCh38, chr7:94,629,808, plus strand): 5'-TTAAAATATTCTCTTTCCAAAACATGAACAAAGAGGACACCTGCTGATGGGTATACATTC[C>T]GATCGGAGTGTACCTTGGAGAAAATACTGTACACTGAAAACAAAGAGGAAAGATAAGTGA-3'
Protein context (NP_003910.1, residues 38-58): YSIFSKVHSD[Arg48Gln]NVYPSAGVLF